The following is an entry in ClinVar:

NM_001130987.2(DYSF):c.5546+1G>A

Gene: DYSF (dysferlin; plus strand). Cytogenetic location: 2p13.2.
Variant type: single nucleotide variant.
Coding change: c.5546+1G>A on transcript NM_001130987.2 (MANE Select); the canonical splice donor site of the intron after coding-DNA position 5546, G replaced by A.
Molecular consequence: splice donor variant.
Genome position (GRCh38, 1-based): chr2:71,668,843, G>A. VCF-style: chr2-71668843-G-A. GRCh37 (hg19) VCF-style: chr2-71895973-G-A.
Other names: c.5522+1G>A (NM_001130979.2); c.5543+1G>A (NM_001130981.2); c.5480+1G>A (NM_001130980.2); c.5492+1G>A (NM_001130978.2); c.5429+1G>A (NM_003494.4); c.5450+1G>A (NM_001130977.2); c.5387+1G>A (NM_001130976.2); c.5525+1G>A (NM_001130982.2); and 5 more.
Identifiers: ClinVar variation 948793 (VCV000948793.8), dbSNP rs398123793, ClinGen allele CA347222009.

ClinVar aggregate classification (germline): Likely pathogenic (1 of 4 stars; one submission).

Conditions:
Neuromuscular disease caused by qualitative or quantitative defects of dysferlin. Also called: Dysferlinopathy; Qualitative or quantitative defects of dysferlin. Identifiers: Orphanet 207073, MedGen C2931687, MONDO:0016145.

Submission:

Labcorp Genetics (formerly Invitae), Labcorp
Classification: Likely pathogenic for Neuromuscular disease caused by qualitative or quantitative defects of dysferlin. Last evaluated: 2021-12-12. Review status: criteria provided, single submitter. Criteria: Invitae Variant Classification Sherloc (09022015). Collection method: clinical testing. Allele origin: germline.
Comment: In summary, the currently available evidence indicates that the variant is pathogenic, but additional data are needed to prove that conclusively. Therefore, this variant has been classified as Likely Pathogenic. Algorithms developed to predict the effect of sequence changes on RNA splicing suggest that this variant may disrupt the consensus splice site. ClinVar contains an entry for this variant (Variation ID: 948793). Disruption of this splice site has been observed in individual(s) with limb-girdle muscular dystrophy (PMID: 33610434). This variant is not present in population databases (gnomAD no frequency). This sequence change affects a donor splice site in intron 48 of the DYSF gene. It is expected to disrupt RNA splicing. Variants that disrupt the donor or acceptor splice site typically lead to a loss of protein function (PMID: 16199547), and loss-of-function variants in DYSF are known to be pathogenic (PMID: 17698709, 20301480).

Literature cited by the submitters: PubMed 33610434; PubMed 16199547; PubMed 17698709; PubMed 20301480.